The following is an entry in ClinVar:

NM_005996.4(TBX3):c.1146G>T (p.Glu382Asp)

Gene: TBX3 (T-box transcription factor 3; minus strand). Cytogenetic location: 12q24.21.
Variant type: single nucleotide variant.
Coding change: c.1146G>T on transcript NM_005996.4 (MANE Select); coding-DNA position 1146, G replaced by T.
Protein change: p.Glu382Asp; replaces glutamic acid 382 with aspartic acid.
Molecular consequence: missense variant.
Genome position (GRCh38, 1-based): chr12:114,674,729, C>A on the plus strand (G>T on the coding strand, the complement: TBX3 is on the minus strand). VCF-style: chr12-114674729-C-A. GRCh37 (hg19) VCF-style: chr12-115112534-C-A.
Other names: c.1206G>T, p.Glu402Asp (NM_016569.4); short protein forms E382D, E402D.
Identifiers: ClinVar variation 4977562 (VCV004977562.1).

ClinVar aggregate classification (germline): Uncertain significance (1 of 4 stars; one submission).

Conditions:
TBX3-related disorder. Also called: TBX3-related condition.

gnomAD v4.1: 2 of 1,598,064 alleles (0.00013%); highest among the groups gnomAD compares: Admixed American, 0.0034%; no homozygotes.

Submission:

PreventionGenetics, part of Exact Sciences
Classification: Uncertain significance for TBX3-related condition. Last evaluated: 2026-09-15. Review status: criteria provided, single submitter. Criteria: ACMG Guidelines, 2015. Collection method: clinical testing. Allele origin: germline.
Comment: The TBX3 c.1206G>T variant is predicted to result in the amino acid substitution p.Glu402Asp. To our knowledge, this variant has not been reported in the literature. This variant is reported in 0.0062% of alleles in individuals of Latino descent in gnomAD. At this time, the clinical significance of this variant is uncertain due to the absence of conclusive functional and genetic evidence.